The following is an entry in ClinVar:

NM_145038.5(DRC1):c.1511G>A (p.Gly504Glu)

Gene: DRC1 (dynein regulatory complex subunit 1; plus strand). Cytogenetic location: 2p23.3.
Variant type: single nucleotide variant.
Coding change: c.1511G>A on transcript NM_145038.5 (MANE Select); coding-DNA position 1511, G replaced by A.
Protein change: p.Gly504Glu; replaces glycine 504 with glutamic acid.
Molecular consequence: missense variant.
Genome position (GRCh38, 1-based): chr2:26,449,997, G>A. VCF-style: chr2-26449997-G-A. GRCh37 (hg19) VCF-style: chr2-26672865-G-A.
Other names: short protein forms G504E.
Identifiers: ClinVar variation 1365003 (VCV001365003.8), dbSNP rs2148004449, ClinGen allele CA346115224.

ClinVar aggregate classification (germline): Uncertain significance (1 of 4 stars; one submission).

Conditions:
Primary ciliary dyskinesia. Also called: Ciliary dyskinesia. Identifiers: Orphanet 244, MedGen C0008780, MONDO:0016575, HP:0012265.

Submission:

Labcorp Genetics (formerly Invitae), Labcorp
Classification: Uncertain significance for Primary ciliary dyskinesia. Last evaluated: 2021-07-12. Review status: criteria provided, single submitter. Criteria: Invitae Variant Classification Sherloc (09022015). Collection method: clinical testing. Allele origin: germline.
Comment: This sequence change replaces glycine with glutamic acid at codon 504 of the DRC1 protein (p.Gly504Glu). The glycine residue is highly conserved and there is a moderate physicochemical difference between glycine and glutamic acid. This variant is not present in population databases (ExAC no frequency). This variant has not been reported in the literature in individuals affected with DRC1-related conditions. Algorithms developed to predict the effect of missense changes on protein structure and function (SIFT, PolyPhen-2, Align-GVGD) all suggest that this variant is likely to be disruptive. In summary, the available evidence is currently insufficient to determine the role of this variant in disease. Therefore, it has been classified as a Variant of Uncertain Significance.